The following is an entry in ClinVar:

NM_198271.5(LMOD3):c.895G>A (p.Ala299Thr)

Gene: LMOD3 (leiomodin 3; minus strand). Cytogenetic location: 3p14.1.
Variant type: single nucleotide variant.
Coding change: c.895G>A on transcript NM_198271.5 (MANE Select); coding-DNA position 895, G replaced by A.
Protein change: p.Ala299Thr; replaces alanine 299 with threonine.
Molecular consequence: missense variant.
Genome position (GRCh38, 1-based): chr3:69,119,460, C>T on the plus strand (G>A on the coding strand, the complement: LMOD3 is on the minus strand). VCF-style: chr3-69119460-C-T. GRCh37 (hg19) VCF-style: chr3-69168611-C-T.
Other names: c.895G>A (NM_198271.3); c.895G>A, p.Ala299Thr (NM_001304418.3); short protein forms A299T.
Identifiers: ClinVar variation 970377 (VCV000970377.7), dbSNP rs758653889, ClinGen allele CA2488897.
Genomic context (GRCh38, chr3:69,119,460, plus strand): 5'-ACTCGATGTTGAGAGTGGTGATGCTTCTATTTTCACGCAACATGTTAGCCAAGGCAAATG[C>T]TACATTCTCATCTGCACCCACATTGGCTAAACTGAATGTTTTGATGTGCTTGTTTTTCTT-3'
Protein context (NP_938012.2, residues 289-309): LANVGADENV[Ala299Thr]FALANMLREN

ClinVar aggregate classification (germline): Uncertain significance. Review status: criteria provided, multiple submitters, no conflicts (2 of 4 stars). 2 submissions from 2 submitters: Uncertain significance (2). Last evaluated 2025-11-20.

Conditions:
Inborn genetic diseases. Identifiers: MedGen C0950123, MeSH D030342.
Nemaline myopathy 10 (NEM10). Identifiers: MedGen C4015360, MONDO:0014513, OMIM 616165.

Allele frequency attached by ClinVar (database versions not stated): gnomAD exomes below 0.00001; ExAC 0.00001; gnomAD 0.00001; TOPMed 0.00001.
gnomAD v4.1: 38 of 1,613,868 alleles (0.0024%); highest among the groups gnomAD compares: Non-Finnish European, 0.0031%; no homozygotes.

Submissions (2):

Ambry Genetics
Classification: Uncertain significance for Inborn genetic diseases. Last evaluated: 2025-11-20. Review status: criteria provided, single submitter. Criteria: Ambry Variant Classification Scheme 2023. Collection method: clinical testing. Allele origin: germline.

Labcorp Genetics (formerly Invitae), Labcorp
Classification: Uncertain significance for Nemaline myopathy 10. Last evaluated: 2023-08-04. Review status: criteria provided, single submitter. Criteria: Invitae Variant Classification Sherloc (09022015). Collection method: clinical testing. Allele origin: germline.
Comment: This sequence change replaces alanine, which is neutral and non-polar, with threonine, which is neutral and polar, at codon 299 of the LMOD3 protein (p.Ala299Thr). This variant is present in population databases (rs758653889, gnomAD 0.0009%). This variant has not been reported in the literature in individuals affected with LMOD3-related conditions. ClinVar contains an entry for this variant (Variation ID: 970377). An algorithm developed to predict the effect of missense changes on protein structure and function (PolyPhen-2) suggests that this variant is likely to be disruptive. In summary, the available evidence is currently insufficient to determine the role of this variant in disease. Therefore, it has been classified as a Variant of Uncertain Significance.